The following is an entry in ClinVar:

ClinVar aggregate classification (germline): Uncertain significance (1 of 4 stars; one submission).

gnomAD v4.1: 56 of 1,536,490 alleles (0.0036%); highest among the groups gnomAD compares: Admixed American, 0.014%; no homozygotes.

Submission:

Labcorp Genetics (formerly Invitae), Labcorp
Classification: Uncertain significance. Last evaluated: 2025-09-09. Review status: criteria provided, single submitter. Criteria: Invitae Variant Classification Sherloc (09022015). Collection method: clinical testing. Allele origin: germline.
Comment: The FMN1 gene has multiple clinically relevant transcripts. This variant occurs in alternate transcript NM_001277314.1, and corresponds to NM_001103184.3:c.-86124G>C in the primary transcript. This sequence change replaces glutamic acid, which is acidic and polar, with glutamine, which is neutral and polar, at codon 303 of the FMN1 protein (p.Glu303Gln). This variant is present in population databases (rs768184878, gnomAD 0.03%). This variant has not been reported in the literature in individuals affected with FMN1-related conditions. In summary, the available evidence is currently insufficient to determine the role of this variant in disease. Therefore, it has been classified as a Variant of Uncertain Significance.

NM_001277313.2(FMN1):c.907G>C (p.Glu303Gln)

Gene: FMN1 (formin 1; minus strand). Cytogenetic location: 15q13.3.
Variant type: single nucleotide variant.
Coding change: c.907G>C on transcript NM_001277313.2 (MANE Select); coding-DNA position 907, G replaced by C.
Protein change: p.Glu303Gln; replaces glutamic acid 303 with glutamine.
Molecular consequence: missense variant.
Genome position (GRCh38, 1-based): chr15:33,154,008, C>G on the plus strand (G>C on the coding strand, the complement: FMN1 is on the minus strand). VCF-style: chr15-33154008-C-G. GRCh37 (hg19) VCF-style: chr15-33446209-C-G.
Other names: c.907G>C, p.Glu303Gln (NM_001277314.2); short protein forms E303Q.
Identifiers: ClinVar variation 4751479 (VCV004751479.1).